The following is an entry in ClinVar:

ClinVar aggregate classification (germline): Conflicting classifications of pathogenicity. Review status: criteria provided, conflicting classifications (1 of 4 stars). 4 submissions from 4 submitters: Uncertain significance (3); Benign (1). Last evaluated 2025-11-01.

Conditions:
THBD-related disorder. Also called: THBD-related condition.
Atypical hemolytic-uremic syndrome with thrombomodulin anomaly. Also called: HEMOLYTIC UREMIC SYNDROME, ATYPICAL, SUSCEPTIBILITY TO, 6; AHUS, SUSCEPTIBILITY TO, 6. Identifiers: MedGen C2752036, MONDO:0013044, OMIM 612926. Disease mechanism: gain of function.

Allele frequency attached by ClinVar (database versions not stated): gnomAD exomes 0.00001 and 0.00002; ExAC 0.00002; gnomAD 0.00010 and 0.00011; TOPMed 0.00014; ESP Exome Variant Server 0.00023.

Submissions (4):

Labcorp Genetics (formerly Invitae), Labcorp
Classification: Uncertain significance. Last evaluated: 2025-11-01. Review status: criteria provided, single submitter. Criteria: Invitae Variant Classification Sherloc (09022015). Collection method: clinical testing. Allele origin: germline.
Comment: This sequence change replaces arginine, which is basic and polar, with leucine, which is neutral and non-polar, at codon 322 of the THBD protein (p.Arg322Leu). This variant is present in population databases (rs146549103, gnomAD 0.03%). This variant has not been reported in the literature in individuals affected with THBD-related conditions. ClinVar contains an entry for this variant (Variation ID: 896683). Invitae Evidence Modeling of protein sequence and biophysical properties (such as structural, functional, and spatial information, amino acid conservation, physicochemical variation, residue mobility, and thermodynamic stability) indicates that this missense variant is not expected to disrupt THBD protein function with a negative predictive value of 80%. In summary, the available evidence is currently insufficient to determine the role of this variant in disease. Therefore, it has been classified as a Variant of Uncertain Significance.

Mayo Clinic Laboratories, Mayo Clinic
Classification: Uncertain significance. Last evaluated: 2024-07-05. Review status: criteria provided, single submitter. Criteria: ACMG Guidelines, 2015. Collection method: clinical testing. Allele origin: germline. Observed: 1 variant allele.
Comment: BP4

PreventionGenetics, part of Exact Sciences
Classification: Uncertain significance for THBD-related condition. Last evaluated: 2023-06-16. Review status: criteria provided, single submitter. Criteria: ACMG Guidelines, 2015. Collection method: clinical testing. Allele origin: germline.
Comment: The THBD c.965G>T variant is predicted to result in the amino acid substitution p.Arg322Leu. To our knowledge, this variant has not been reported in the literature. This variant is reported in 0.029% of alleles in individuals of African descent in gnomAD. At this time, the clinical significance of this variant is uncertain due to the absence of conclusive functional and genetic evidence.

Illumina Laboratory Services, Illumina
Classification: Benign for Atypical hemolytic-uremic syndrome with thrombomodulin anomaly. Last evaluated: 2018-01-12. Review status: criteria provided, single submitter. Criteria: ICSL Variant Classification Criteria 13 December 2019. Collection method: clinical testing. Allele origin: germline.
Comment: This variant was observed in the ICSL laboratory as part of a predisposition screen in an ostensibly healthy population. It had not been previously curated by ICSL or reported in the Human Gene Mutation Database (HGMD: prior to June 1st, 2018), and was therefore a candidate for classification through an automated scoring system. Utilizing variant allele frequency, disease prevalence and penetrance estimates, and inheritance mode, an automated score was calculated to assess if this variant is too frequent to cause the disease. Based on the score and internal cut-off values, a variant classified as benign is not then subjected to further curation. The score for this variant resulted in a classification of benign for this disease.

NM_000361.3(THBD):c.965G>T (p.Arg322Leu)

Gene: THBD (thrombomodulin; minus strand). Cytogenetic location: 20p11.21.
Variant type: single nucleotide variant.
Coding change: c.965G>T on transcript NM_000361.3 (MANE Select); coding-DNA position 965, G replaced by T.
Protein change: p.Arg322Leu; replaces arginine 322 with leucine.
Molecular consequence: missense variant.
Genome position (GRCh38, 1-based): chr20:23,048,540, C>A on the plus strand (G>T on the coding strand, the complement: THBD is on the minus strand). VCF-style: chr20-23048540-C-A. GRCh37 (hg19) VCF-style: chr20-23029177-C-A.
Other names: p.Arg322Leu; short protein forms R322L.
Identifiers: ClinVar variation 896683 (VCV000896683.13), dbSNP rs146549103, ClinGen allele CA9787651.